The following is an entry in ClinVar:

NM_000143.4(FH):c.653T>C (p.Leu218Pro)

Gene: FH (fumarate hydratase; minus strand). Cytogenetic location: 1q43.
Variant type: single nucleotide variant.
Coding change: c.653T>C on transcript NM_000143.4 (MANE Select); coding-DNA position 653, T replaced by C.
Protein change: p.Leu218Pro; replaces leucine 218 with proline.
Molecular consequence: missense variant.
Genome position (GRCh38, 1-based): chr1:241,508,688, A>G on the plus strand (T>C on the coding strand, the complement: FH is on the minus strand). VCF-style: chr1-241508688-A-G. GRCh37 (hg19) VCF-style: chr1-241671988-A-G.
Other names: short protein forms L218P.
Identifiers: ClinVar variation 460371 (VCV000460371.13), dbSNP rs1553341345, ClinGen allele CA345439305.

ClinVar aggregate classification (germline): Pathogenic/Likely pathogenic. Review status: criteria provided, multiple submitters, no conflicts (2 of 4 stars). 3 submissions from 3 submitters: Pathogenic (1); Likely pathogenic (2). Last evaluated 2026-02-13.

Conditions:
Hereditary leiomyomatosis and renal cell cancer. Also called: Familial leiomyomatosis; MULTIPLE CUTANEOUS AND UTERINE LEIOMYOMATA 1, WITH OR WITHOUT RENAL CELL CARCINOMA; Multiple cutaneous leiomyomas; Reed syndrome; Multiple cutaneous and uterine leiomyomatosis; Cutaneous leiomyomata with uterine leiomyomata. Identifiers: Orphanet 523, MedGen C1708350, MONDO:0007888, OMIM 150800, HP:0007437. Disease mechanism: loss of function.
Fumarase deficiency (FMRD). Also called: Fumarate Hydratase Deficiency; Fumaric aciduria. Identifiers: Orphanet 24, MedGen C0342770, MONDO:0011730, OMIM 606812.

Submissions (3):

Myriad Genetics, Inc.
Classification: Likely pathogenic for Hereditary leiomyomatosis and renal cell cancer. Last evaluated: 2026-02-13. Review status: criteria provided, single submitter. Criteria: Myriad Autosomal Dominant, Autosomal Recessive and X-Linked Classification Criteria (2023). Collection method: clinical testing. Allele origin: unknown.
Comment: This variant is considered likely pathogenic. This variant has been reported in multiple individuals with clinical features of gene-specific disease [External communications 2026, PMID: 21560188]. Functional studies indicate this variant impacts protein function [PMID: 21560188]. This variant is expected to disrupt protein structure [Myriad internal data].

Natera, Inc.
Classification: Likely pathogenic for Fumarase Deficiency. Last evaluated: 2025-09-07. Review status: criteria provided, single submitter. Criteria: Natera Variant Classification Schema (03/2026). Collection method: clinical testing. Allele origin: germline.
Comment: The c.653T>C variant in FH is a missense variant predicted to cause substitution of leucine to proline at amino acid 218. This variant is rare in the general population with a frequency below the threshold expected for the associated phenotype(s). This variant has been observed in one or more individuals affected with the associated recessive disease, as either homozygous or compound heterozygous with a second variant (PMID: 21560188). This variant has been identified in one or more affected individual with a phenotype highly consistent with the associated gene (PMID: 21560188). Computational prediction algorithms indicate this variant is likely to affect gene or protein function. Given the available evidence, this variant is classified as Likely Pathogenic.

Labcorp Genetics (formerly Invitae), Labcorp
Classification: Pathogenic. Last evaluated: 2020-09-01. Review status: criteria provided, single submitter. Criteria: Invitae Variant Classification Sherloc (09022015). Collection method: clinical testing. Allele origin: germline.
Comment: For these reasons, this variant has been classified as Pathogenic. This variant has been reported to affect FH protein function (PMID: 21560188). Advanced modeling of protein sequence and biophysical properties (such as structural, functional, and spatial information, amino acid conservation, physicochemical variation, residue mobility, and thermodynamic stability) performed at Invitae indicates that this missense variant is expected to disrupt FH protein function. This variant has also been observed in individuals with clinical features of hereditary leiomyomatosis and renal cell cancer (Invitae). Also, it has been reported in combination with another FH variant in an individual affected with fumarase deficiency (PMID: 21560188). ClinVar contains an entry for this variant (Variation ID: 460371). This variant is not present in population databases (ExAC no frequency). This sequence change replaces leucine with proline at codon 218 of the FH protein (p.Leu218Pro). The leucine residue is highly conserved and there is a moderate physicochemical difference between leucine and proline.

Literature cited by the submitters: PubMed 21560188 (cited by 3 submitters).